The following is an entry in ClinVar:

NM_015425.6(POLR1A):c.4412A>G (p.Glu1471Gly)

Gene: POLR1A (RNA polymerase I subunit A; minus strand). Cytogenetic location: 2p11.2.
Variant type: single nucleotide variant.
Coding change: c.4412A>G on transcript NM_015425.6 (MANE Select); coding-DNA position 4412, A replaced by G.
Protein change: p.Glu1471Gly; replaces glutamic acid 1471 with glycine.
Molecular consequence: missense variant.
Genome position (GRCh38, 1-based): chr2:86,031,496, T>C on the plus strand (A>G on the coding strand, the complement: POLR1A is on the minus strand). VCF-style: chr2-86031496-T-C. GRCh37 (hg19) VCF-style: chr2-86258619-T-C.
Other names: short protein forms E1471G.
Identifiers: ClinVar variation 711327 (VCV000711327.13), dbSNP rs61731718, ClinGen allele CA1745504.
Genomic context (GRCh38, chr2:86,031,496, plus strand): 5'-TCCTGGCTGTGGGTGGGTTTCCGGGGCTGCGTCAGGAGGGCGGGAAGGGACGGGTCCTCC[T>C]CAGTGCCTAAGCCCACCTCTTCATCTTGCTCTTGGGTCTTTCGAGCACCTTCCCTGTGGG-3'
Protein context (NP_056240.2, residues 1461-1481): EQDEEVGLGT[Glu1471Gly]EDPSLPALLT

ClinVar aggregate classification (germline): Likely benign. Review status: criteria provided, multiple submitters, no conflicts (2 of 4 stars). 3 submissions from 3 submitters: Likely benign (2). 1 of the submissions does not count toward it. Last evaluated 2025-12-01.

Conditions:
POLR1A-related disorder. Also called: POLR1A-related condition.

Allele frequency attached by ClinVar (database versions not stated): gnomAD exomes 0.00030 and 0.00055; ExAC 0.00068; 1000 Genomes Project 30x 0.00078; 1000 Genomes Project 0.00080; gnomAD 0.00201 and 0.00222; TOPMed 0.00248; ESP Exome Variant Server 0.00278.
gnomAD v4.1: 746 of 1,614,196 alleles (0.046%); highest among the groups gnomAD compares: African/African-American, 0.66%; 2 homozygotes.

Submissions (3):

Labcorp Genetics (formerly Invitae), Labcorp
Classification: Likely benign. Last evaluated: 2025-12-01. Review status: criteria provided, single submitter. Criteria: Invitae Variant Classification Sherloc (09022015). Collection method: clinical testing. Allele origin: germline.

Laboratorio de Genetica e Diagnostico Molecular, Hospital Israelita Albert Einstein
Classification: Likely benign. Last evaluated: 2020-02-25. Review status: criteria provided, single submitter. Criteria: ACMG Guidelines, 2015. Collection method: clinical testing. Allele origin: germline. Affected: yes.
Comment: ACMG classification criteria: BS1, BP4

PreventionGenetics, part of Exact Sciences
Classification: Benign for POLR1A-related condition. Last evaluated: 2019-10-28. Review status: no assertion criteria provided. Collection method: clinical testing. Allele origin: germline. Not counted in ClinVar's aggregate classification.
Comment: This variant is classified as benign based on ACMG/AMP sequence variant interpretation guidelines (Richards et al. 2015 PMID: 25741868, with internal and published modifications).